The following is an entry in ClinVar:

ClinVar aggregate classification (germline): Likely benign. Review status: criteria provided, multiple submitters, no conflicts (2 of 4 stars). 3 submissions from 3 submitters: Likely benign (2). 1 of the submissions does not count toward it. Last evaluated 2026-01-11.

Conditions:
RAI1-related disorder. Also called: RAI1-related condition.
Inborn genetic diseases. Identifiers: MedGen C0950123, MeSH D030342.

Allele frequency attached by ClinVar (database versions not stated): gnomAD 0.00005; ExAC 0.00007; TOPMed 0.00009.
gnomAD v4.1: 93 of 1,592,908 alleles (0.0058%); highest among the groups gnomAD compares: Middle Eastern, 0.017%; no homozygotes.

Submissions (3):

Labcorp Genetics (formerly Invitae), Labcorp
Classification: Likely benign. Last evaluated: 2026-01-11. Review status: criteria provided, single submitter. Criteria: Invitae Variant Classification Sherloc (09022015). Collection method: clinical testing. Allele origin: germline.

Ambry Genetics
Classification: Likely benign for Inborn genetic diseases. Last evaluated: 2023-09-22. Review status: criteria provided, single submitter. Criteria: Ambry Variant Classification Scheme 2023. Collection method: clinical testing. Allele origin: germline.

PreventionGenetics, part of Exact Sciences
Classification: Likely benign for RAI1-related condition. Last evaluated: 2021-06-03. Review status: no assertion criteria provided. Collection method: clinical testing. Allele origin: germline. Not counted in ClinVar's aggregate classification.
Comment: This variant is classified as likely benign based on ACMG/AMP sequence variant interpretation guidelines (Richards et al. 2015 PMID: 25741868, with internal and published modifications).

NM_030665.4(RAI1):c.2443G>T (p.Val815Leu)

Gene: RAI1 (retinoic acid induced 1; plus strand). Cytogenetic location: 17p11.2.
Variant type: single nucleotide variant.
Coding change: c.2443G>T on transcript NM_030665.4 (MANE Select); coding-DNA position 2443, G replaced by T.
Protein change: p.Val815Leu; replaces valine 815 with leucine.
Molecular consequence: missense variant.
Genome position (GRCh38, 1-based): chr17:17,795,391, G>T. VCF-style: chr17-17795391-G-T. GRCh37 (hg19) VCF-style: chr17-17698705-G-T.
Other names: c.2443G>T (NM_030665.3); short protein forms V815L.
Identifiers: ClinVar variation 2182337 (VCV002182337.7), dbSNP rs762476795, ClinGen allele CA8418539.